The following is an entry in ClinVar:

ClinVar aggregate classification (germline): Uncertain significance. Review status: criteria provided, multiple submitters, no conflicts (2 of 4 stars). 2 submissions from 2 submitters: Uncertain significance (2). Last evaluated 2024-08-21.

Conditions:
Inborn genetic diseases. Identifiers: MedGen C0950123, MeSH D030342.

Allele frequency attached by ClinVar (database versions not stated): gnomAD exomes below 0.00001.
gnomAD v4.1: 3 of 1,614,064 alleles (0.00019%); highest among the groups gnomAD compares: Non-Finnish European, 0.00025%; no homozygotes.

Submissions (2):

Ambry Genetics
Classification: Uncertain significance for Inborn genetic diseases. Last evaluated: 2024-08-21. Review status: criteria provided, single submitter. Criteria: Ambry Variant Classification Scheme 2023. Collection method: clinical testing. Allele origin: germline.

Labcorp Genetics (formerly Invitae), Labcorp
Classification: Uncertain significance. Last evaluated: 2022-09-24. Review status: criteria provided, single submitter. Criteria: Invitae Variant Classification Sherloc (09022015). Collection method: clinical testing. Allele origin: germline.
Comment: This sequence change replaces isoleucine, which is neutral and non-polar, with threonine, which is neutral and polar, at codon 1517 of the MYH3 protein (p.Ile1517Thr). This variant is not present in population databases (gnomAD no frequency). This variant has not been reported in the literature in individuals affected with MYH3-related conditions. Advanced modeling of protein sequence and biophysical properties (such as structural, functional, and spatial information, amino acid conservation, physicochemical variation, residue mobility, and thermodynamic stability) performed at Invitae indicates that this missense variant is not expected to disrupt MYH3 protein function. In summary, the available evidence is currently insufficient to determine the role of this variant in disease. Therefore, it has been classified as a Variant of Uncertain Significance.

NM_002470.4(MYH3):c.4550T>C (p.Ile1517Thr)

Gene: MYH3 (myosin heavy chain 3; minus strand). Cytogenetic location: 17p13.1.
Variant type: single nucleotide variant.
Coding change: c.4550T>C on transcript NM_002470.4 (MANE Select); coding-DNA position 4550, T replaced by C.
Protein change: p.Ile1517Thr; replaces isoleucine 1517 with threonine.
Molecular consequence: missense variant.
Genome position (GRCh38, 1-based): chr17:10,633,688, A>G on the plus strand (T>C on the coding strand, the complement: MYH3 is on the minus strand). VCF-style: chr17-10633688-A-G. GRCh37 (hg19) VCF-style: chr17-10537005-A-G.
Other names: c.4550T>C (NM_002470.3); short protein forms I1517T.
Identifiers: ClinVar variation 2057507 (VCV002057507.5), dbSNP rs2508576136, ClinGen allele CA398141580.
Genomic context (GRCh38, chr17:10,633,688, plus strand): 5'-TCCAGCTCAATCTGCTTTCTTGATTTCTCCAGTTCATGGATGGTTTTGCCATTTTCAGCA[A>G]TTTGTTCTGTGAGATCTGCTATCTCCTCTGTAAAGAAGTAAGTTTCAGTTGCATATGAGC-3'
Protein context (NP_002461.2, residues 1507-1527): EQEIADLTEQ[Ile1517Thr]AENGKTIHEL